The following is an entry in ClinVar:

NM_018718.3(CEP41):c.473A>G (p.Lys158Arg)

Gene: CEP41 (centrosomal protein 41; minus strand). Cytogenetic location: 7q32.2.
Variant type: single nucleotide variant.
Coding change: c.473A>G on transcript NM_018718.3 (MANE Select); coding-DNA position 473, A replaced by G.
Protein change: p.Lys158Arg; replaces lysine 158 with arginine.
Molecular consequence: missense variant. On other transcripts: non-coding transcript variant (1).
Genome position (GRCh38, 1-based): chr7:130,402,749, T>C on the plus strand (A>G on the coding strand, the complement: CEP41 is on the minus strand). VCF-style: chr7-130402749-T-C. GRCh37 (hg19) VCF-style: chr7-130042590-T-C.
Other names: c.473A>G, p.Lys158Arg (NM_001257158.2); c.425A>G, p.Lys142Arg (NM_001257159.2); short protein forms K158R, K142R.
Identifiers: ClinVar variation 570128 (VCV000570128.8), dbSNP rs1554417299, ClinGen allele CA369288894.

ClinVar aggregate classification (germline): Uncertain significance (1 of 4 stars; one submission).

Conditions:
Joubert syndrome 15 (JBTS15). Identifiers: Orphanet 475, MedGen C3280897, MONDO:0013763, OMIM 614464.

Submission:

Labcorp Genetics (formerly Invitae), Labcorp
Classification: Uncertain significance for Joubert syndrome 15. Last evaluated: 2018-06-19. Review status: criteria provided, single submitter. Criteria: Invitae Variant Classification Sherloc (09022015). Collection method: clinical testing. Allele origin: germline.
Comment: Algorithms developed to predict the effect of missense changes on protein structure and function output the following: SIFT: "Tolerated"; PolyPhen-2: "Benign"; Align-GVGD: "Class C0". The arginine amino acid residue is found in multiple mammalian species, suggesting that this missense change does not adversely affect protein function. These predictions have not been confirmed by published functional studies and their clinical significance is uncertain. This sequence change replaces lysine with arginine at codon 158 of the CEP41 protein (p.Lys158Arg). The lysine residue is highly conserved and there is a small physicochemical difference between lysine and arginine. This variant is not present in population databases (ExAC no frequency). This variant has not been reported in the literature in individuals with CEP41-related disease. In summary, the available evidence is currently insufficient to determine the role of this variant in disease. Therefore, it has been classified as a Variant of Uncertain Significance.